The following is an entry in ClinVar:

ClinVar aggregate classification (germline): Likely benign. Review status: criteria provided, multiple submitters, no conflicts (2 of 4 stars). 6 submissions from 6 submitters: Likely benign (5). 1 of the submissions does not count toward it. Last evaluated 2025-06-01.

Conditions:
Ataxia-telangiectasia syndrome (AT). Also called: Ataxia-telangiectasia, complementation group D; Ataxia-telangiectasia, complementation group E; LOUIS-BAR SYNDROME; AT, COMPLEMENTATION GROUP C; ATAXIA-TELANGIECTASIA, COMPLEMENTATION GROUP A; ATAXIA-TELANGIECTASIA, FRESNO VARIANT. Identifiers: Orphanet 100, MedGen C0004135, MONDO:0008840, OMIM 208900.
Hereditary cancer-predisposing syndrome. Also called: Neoplastic Syndromes, Hereditary; Hereditary neoplastic syndrome; Hereditary Cancer Syndrome; Tumor predisposition. Identifiers: Orphanet 140162, MedGen C0027672, MeSH D009386, MONDO:0015356.
ATM-related disorder. Also called: ATM-related disorders; ATM-related condition.

Allele frequency attached by ClinVar (database versions not stated): ExAC 0.00001; gnomAD 0.00001; gnomAD exomes below 0.00001; TOPMed 0.00003.
gnomAD v4.1: 6 of 1,608,828 alleles (0.00037%); highest among the groups gnomAD compares: African/African-American, 0.0053%; no homozygotes.

Submissions (6):

Labcorp Genetics (formerly Invitae), Labcorp
Classification: Likely benign for Ataxia-telangiectasia syndrome. Last evaluated: 2025-06-01. Review status: criteria provided, single submitter. Criteria: Invitae Variant Classification Sherloc (09022015). Collection method: clinical testing. Allele origin: germline.

Quest Diagnostics Nichols Institute San Juan Capistrano
Classification: Likely benign. Last evaluated: 2025-05-18. Review status: criteria provided, single submitter. Criteria: Quest Diagnostics criteria. Collection method: clinical testing. Allele origin: unknown.

Color Diagnostics, LLC DBA Color Health
Classification: Likely benign for Hereditary cancer-predisposing syndrome. Last evaluated: 2019-10-16. Review status: criteria provided, single submitter. Criteria: ACMG Guidelines, 2015. Collection method: clinical testing. Allele origin: germline.

Ambry Genetics
Classification: Likely benign for Hereditary cancer-predisposing syndrome. Last evaluated: 2019-01-18. Review status: criteria provided, single submitter. Criteria: Ambry Variant Classification Scheme 2023. Collection method: clinical testing. Allele origin: germline.

GeneDx
Classification: Likely benign. Last evaluated: 2015-12-15. Review status: criteria provided, single submitter. Criteria: GeneDx Variant Classification (06012015). Collection method: clinical testing. Allele origin: germline. Affected: yes.
Comment: This variant is considered likely benign or benign based on one or more of the following criteria: it is a conservative change, it occurs at a poorly conserved position in the protein, it is predicted to be benign by multiple in silico algorithms, and/or has population frequency not consistent with disease.

PreventionGenetics, part of Exact Sciences
Classification: Likely benign for ATM-related condition. Last evaluated: 2023-08-16. Review status: no assertion criteria provided. Collection method: clinical testing. Allele origin: germline. Not counted in ClinVar's aggregate classification.
Comment: This variant is classified as likely benign based on ACMG/AMP sequence variant interpretation guidelines (Richards et al. 2015 PMID: 25741868, with internal and published modifications).

NM_000051.4(ATM):c.7629T>C (p.Asn2543=)

Genes: ATM (ATM serine/threonine kinase; plus strand), C11orf65 (chromosome 11 open reading frame 65; minus strand). Cytogenetic location: 11q22.3.
Variant type: single nucleotide variant.
Coding change: c.7629T>C on transcript NM_000051.4 (MANE Select); coding-DNA position 7629, T replaced by C.
Protein change: p.Asn2543=; no amino-acid change (asparagine 2543 retained).
Molecular consequence: synonymous variant. On other transcripts: non-coding transcript variant (1), intron variant (2).
Genome position (GRCh38, 1-based): chr11:108,331,557, T>C. VCF-style: chr11-108331557-T-C. GRCh37 (hg19) VCF-style: chr11-108202284-T-C.
Other names: c.7629T>C, p.Asn2543= (NM_001351834.2); c.641-22486A>G (NM_001330368.2); c.*38+3663A>G (NM_001351110.2).
Identifiers: ClinVar variation 382256 (VCV000382256.16), dbSNP rs767123895, ClinGen allele CA6266146.